The following is an entry in ClinVar:

NM_021076.4(NEFH):c.1195A>G (p.Ile399Val)

Gene: NEFH (neurofilament heavy chain; plus strand). Cytogenetic location: 22q12.2.
Variant type: single nucleotide variant.
Coding change: c.1195A>G on transcript NM_021076.4 (MANE Select); coding-DNA position 1195, A replaced by G.
Protein change: p.Ile399Val; replaces isoleucine 399 with valine.
Molecular consequence: missense variant.
Genome position (GRCh38, 1-based): chr22:29,485,834, A>G. VCF-style: chr22-29485834-A-G. GRCh37 (hg19) VCF-style: chr22-29881823-A-G.
Other names: short protein forms I399V.
Identifiers: ClinVar variation 4769842 (VCV004769842.1).

ClinVar aggregate classification (germline): Uncertain significance (1 of 4 stars; one submission).

Submission:

Labcorp Genetics (formerly Invitae), Labcorp
Classification: Uncertain significance. Last evaluated: 2025-04-27. Review status: criteria provided, single submitter. Criteria: Invitae Variant Classification Sherloc (09022015). Collection method: clinical testing. Allele origin: germline.
Comment: This sequence change replaces isoleucine, which is neutral and non-polar, with valine, which is neutral and non-polar, at codon 399 of the NEFH protein (p.Ile399Val). This variant is not present in population databases (gnomAD no frequency). This variant has not been reported in the literature in individuals affected with NEFH-related conditions. Invitae Evidence Modeling of protein sequence and biophysical properties (such as structural, functional, and spatial information, amino acid conservation, physicochemical variation, residue mobility, and thermodynamic stability) indicates that this missense variant is expected to disrupt NEFH protein function with a positive predictive value of 95%. In summary, the available evidence is currently insufficient to determine the role of this variant in disease. Therefore, it has been classified as a Variant of Uncertain Significance.